The following is an entry in ClinVar:

ClinVar aggregate classification (germline): Likely benign (1 of 4 stars; one submission).

Submission:

CeGaT Center for Human Genetics Tuebingen
Classification: Likely benign. Last evaluated: 2026-05-01. Review status: criteria provided, single submitter. Criteria: CeGaT Center For Human Genetics Tuebingen Variant Classification Criteria Version 2. Collection method: clinical testing. Allele origin: germline. Affected: yes. Observed: 1 variant allele.
Comment: RHOBTB2: PM2:Supporting, BP4, BP7

NM_015178.3(RHOBTB2):c.144G>C (p.Thr48=)

Gene: RHOBTB2 (Rho related BTB domain containing 2; plus strand). Cytogenetic location: 8p21.3.
Variant type: single nucleotide variant.
Coding change: c.144G>C on transcript NM_015178.3 (MANE Select); coding-DNA position 144, G replaced by C.
Protein change: p.Thr48=; no amino-acid change (threonine 48 retained).
Molecular consequence: synonymous variant.
Genome position (GRCh38, 1-based): chr8:23,004,578, G>C. VCF-style: chr8-23004578-G-C. GRCh37 (hg19) VCF-style: chr8-22862091-G-C.
Other names: c.210G>C, p.Thr70= (NM_001160036.2); c.165G>C, p.Thr55= (NM_001160037.2); c.144G>C, p.Thr48= (NM_001374791.1).
Identifiers: ClinVar variation 4872347 (VCV004872347.2).